The following is an entry in ClinVar:

NM_198129.4(LAMA3):c.2919T>C (p.Asp973=)

Gene: LAMA3 (laminin subunit alpha 3; plus strand). Cytogenetic location: 18q11.2.
Variant type: single nucleotide variant.
Coding change: c.2919T>C on transcript NM_198129.4 (MANE Select); coding-DNA position 2919, T replaced by C.
Protein change: p.Asp973=; no amino-acid change (aspartic acid 973 retained).
Molecular consequence: synonymous variant.
Genome position (GRCh38, 1-based): chr18:23,833,923, T>C. VCF-style: chr18-23833923-T-C. GRCh37 (hg19) VCF-style: chr18-21413887-T-C.
Other names: c.2919T>C (NM_198129.2); c.2919T>C, p.Asp973= (NM_001127717.4).
Identifiers: ClinVar variation 1137021 (VCV001137021.33), dbSNP rs376633949, ClinGen allele CA8915096.

ClinVar aggregate classification (germline): Likely benign. Review status: criteria provided, multiple submitters, no conflicts (2 of 4 stars). 3 submissions from 3 submitters: Likely benign (2). 1 of the submissions does not count toward it. Last evaluated 2022-09-01.

Conditions:
LAMA3-related disorder. Also called: LAMA3-related condition; LAMA3-related disorders.

Allele frequency attached by ClinVar (database versions not stated): gnomAD exomes 0.00004 and 0.00014; ExAC 0.00012; ESP Exome Variant Server 0.00024; gnomAD 0.00048 and 0.00051; TOPMed 0.00057.
gnomAD v4.1: 149 of 1,614,200 alleles (0.0092%); highest among the groups gnomAD compares: African/African-American, 0.12%; no homozygotes.

Submissions (3):

CeGaT Center for Human Genetics Tuebingen
Classification: Likely benign. Last evaluated: 2022-09-01. Review status: criteria provided, single submitter. Criteria: CeGaT Center For Human Genetics Tuebingen Variant Classification Criteria Version 2. Collection method: clinical testing. Allele origin: germline. Affected: yes. Observed: 1 variant allele.
Comment: LAMA3: BP4, BP7

Labcorp Genetics (formerly Invitae), Labcorp
Classification: Likely benign. Last evaluated: 2022-01-07. Review status: criteria provided, single submitter. Criteria: Invitae Variant Classification Sherloc (09022015). Collection method: clinical testing. Allele origin: germline.

PreventionGenetics, part of Exact Sciences
Classification: Likely benign for LAMA3-related condition. Last evaluated: 2019-07-15. Review status: no assertion criteria provided. Collection method: clinical testing. Allele origin: germline. Not counted in ClinVar's aggregate classification.
Comment: This variant is classified as likely benign based on ACMG/AMP sequence variant interpretation guidelines (Richards et al. 2015 PMID: 25741868, with internal and published modifications).